The following is an entry in ClinVar:

ClinVar aggregate classification (germline): Pathogenic/Likely pathogenic. Review status: criteria provided, multiple submitters, no conflicts (2 of 4 stars). 9 submissions from 9 submitters: Pathogenic (6); Likely pathogenic (2). 1 of the submissions does not count toward it. Last evaluated 2025-12-30.

Conditions:
Nemaline myopathy 2 (NEM2). Also called: Nemaline myopathy 2, autosomal recessive. Identifiers: MedGen C1850569, MONDO:0009725, OMIM 256030.
Arthrogryposis multiplex congenita 6. Identifiers: MedGen C5543431, MONDO:0030281, OMIM 619334.
NEB-related disorder. Also called: NEB-Related Disorders; NEB-related condition.
Nemaline myopathy. Also called: Myopathies, Nemaline. Identifiers: Orphanet 607, MedGen C0206157, MONDO:0018958.

Submissions (9):

Natera, Inc.
Classification: Pathogenic for Nemaline myopathy type 2. Last evaluated: 2025-12-30. Review status: criteria provided, single submitter. Criteria: Natera Variant Classification Schema (03/2026). Collection method: clinical testing. Allele origin: germline.
Comment: The c.24654_24655delAG variant in NEB is a frameshift variant predicted to shift the reading frame beginning at codon 8218 and leads to a stop codon 9 codons downstream. This variant is expected to result in nonsense mediated decay, truncation, or a dysfunctional protein product. This variant is rare in the general population with a frequency below the threshold expected for the associated phenotype(s). This variant has been observed in one or more individuals affected with the associated recessive disease, as either homozygous or compound heterozygous with a second variant (PMID: 25205138). Given the available evidence, this variant is classified as Pathogenic.

Revvity Omics, Revvity
Classification: Pathogenic. Last evaluated: 2024-04-08. Review status: criteria provided, single submitter. Criteria: ACMG Guidelines, 2015. Collection method: clinical testing. Allele origin: germline.

Fulgent Genetics
Classification: Pathogenic for Nemaline myopathy 2; Arthrogryposis multiplex congenita 6. Last evaluated: 2024-03-23. Review status: criteria provided, single submitter. Criteria: ACMG Guidelines, 2015. Collection method: clinical testing. Allele origin: germline.

Baylor Genetics
Classification: Pathogenic for Arthrogryposis multiplex congenita 6. Last evaluated: 2024-02-12. Review status: criteria provided, single submitter. Criteria: ACMG Guidelines, 2015. Collection method: clinical testing. Allele origin: unknown.

Labcorp Genetics (formerly Invitae), Labcorp
Classification: Pathogenic for Nemaline myopathy 2. Last evaluated: 2024-02-02. Review status: criteria provided, single submitter. Criteria: Invitae Variant Classification Sherloc (09022015). Collection method: clinical testing. Allele origin: germline.
Comment: This sequence change creates a premature translational stop signal (p.Arg8218Serfs*9) in the NEB gene. It is expected to result in an absent or disrupted protein product. Loss-of-function variants in NEB are known to be pathogenic (PMID: 25205138). This variant is present in population databases (rs755863625, gnomAD 0.003%). This premature translational stop signal has been observed in individuals with nemaline myopathy (PMID: 25205138). ClinVar contains an entry for this variant (Variation ID: 552108). Algorithms developed to predict the effect of sequence changes on RNA splicing suggest that this variant may disrupt the consensus splice site. For these reasons, this variant has been classified as Pathogenic.

Blueprint Genetics
Classification: Likely pathogenic for NEB-related disorders. Last evaluated: 2023-03-01. Review status: criteria provided, single submitter. Criteria: ACMG Guidelines, 2015. Collection method: clinical testing. Allele origin: germline. Affected: yes. Observed: 1 variant allele.

Laboratory for Molecular Medicine, Mass General Brigham Personalized Medicine
Classification: Likely pathogenic for Nemaline myopathy. Last evaluated: 2023-02-02. Review status: criteria provided, single submitter. Criteria: ACMG Guidelines, 2015. Collection method: clinical testing. Allele origin: germline.
Comment: The p.Arg8218SerfsX9 in NEB has not been previously reported in individuals with nemaline myopathy and was absent from large population studies. This variant is predicted to cause a frameshift, which alters the protein’s amino acid sequence beginning at position 8218 and leads to a premature termination codon 9 amino acids downstream. Loss of function of the NEB gene is an established disease mechanism in autosomal recessive nemaline myopathy. In summary, although additional studies are required to fully establish its clinical significance, this variant meets criteria to be classified as likely pathogenic for autosomal recessive nemaline myopathy. ACMG/AMP Criteria applied: PVS1, PM2_Supporting.

Women's Health and Genetics/Laboratory Corporation of America, LabCorp
Classification: Pathogenic for Nemaline myopathy. Last evaluated: 2022-01-12. Review status: criteria provided, single submitter. Criteria: LabCorp Variant Classification Summary - May 2015. Collection method: clinical testing. Allele origin: germline.
Comment: Variant summary: NEB c.24654_24655delAG (p.Arg8218SerfsX9) results in a premature termination codon, predicted to cause a truncation of the encoded protein or absence of the protein due to nonsense mediated decay, which are commonly known mechanisms for disease. Truncations downstream of this position have been classified as pathogenic by our laboratory. The variant allele was found at a frequency of 1.2e-05 in 240344 control chromosomes (gnomAD). c.24654_24655delAG has been reported in the literature in individuals affected with Nemaline Myopathy (Lehtokari_2014). These data indicate that the variant is likely to be associated with disease. To our knowledge, no experimental evidence demonstrating an impact on protein function has been reported. Three ClinVar submitters (evaluation after 2014) cite the variant as pathogenic. Based on the evidence outlined above, the variant was classified as pathogenic.

Counsyl
Classification: Pathogenic for Nemaline myopathy 2. Last evaluated: 2017-05-23. Review status: no assertion criteria provided. Collection method: clinical testing. Allele origin: unknown. Not counted in ClinVar's aggregate classification.

Literature cited by the submitters: PubMed 25205138 (cited by 4 submitters).

NM_001164508.2(NEB):c.24549_24550del (p.Arg8183fs)

Genes: NEB (nebulin; minus strand), RIF1 (replication timing regulatory factor 1; plus strand). Cytogenetic location: 2q23.3.
Variant type: Microsatellite.
Coding change: c.24549_24550del on transcript NM_001164508.2 (MANE Select); coding-DNA positions 24549 to 24550, 2 bases deleted (AG; older notation c.24549_24550delAG).
Protein change: p.Arg8183fs; shifts the reading frame from arginine 8183.
Molecular consequence: frameshift variant.
Genome position (GRCh38, 1-based): chr2:151,494,190-151,494,191, CT deleted on the plus strand (AG on the coding strand, the reverse complement: NEB is on the minus strand); deleting any 2 consecutive bases within chr2:151,494,190-151,494,195 gives the same sequence; the c. name uses the placement nearest the transcript's 3' end. VCF-style (leftmost placement, unchanged base first): chr2-151494189-ACT-A. GRCh37 (hg19) VCF-style: chr2-152350703-ACT-A.
Other names: c.24549_24550del, p.Arg8183fs (NM_001164507.2); c.24654_24655del, p.Arg8218fs (NM_001271208.2); c.18981_18982del, p.Arg6327fs (NM_004543.5); c.24654_24655delAG (NM_001271208.2); short protein forms R6327fs, R8218fs, R8183fs.
Identifiers: ClinVar variation 552108 (VCV000552108.19), dbSNP rs755863625, ClinGen allele CA1906004.
Genomic context (GRCh38, chr2:151,494,189, plus strand): 5'-ATTAAAAGCACTTTTGTTTCTCAAGACAATACCGAGCTAATGTTTTCTTGATTGCGTTTG[ACT>A]CTCTGCATCTCAGGAGTGACAGGGGTTGCGGTGGCTTTCCCCACATTTTCTTTGTACAAA-3'